The following is an entry in ClinVar:

NM_016373.4(WWOX):c.791+4G>T

Gene: WWOX (WW domain containing oxidoreductase; plus strand). Cytogenetic location: 16q23.1.
Variant type: single nucleotide variant.
Coding change: c.791+4G>T on transcript NM_016373.4 (MANE Select); 4 bases into the intron after coding-DNA position 791, G replaced by T.
Molecular consequence: intron variant.
Genome position (GRCh38, 1-based): chr16:78,425,059, G>T. VCF-style: chr16-78425059-G-T. GRCh37 (hg19) VCF-style: chr16-78458956-G-T.
Other names: c.452+4G>T (NM_001291997.2).
Identifiers: ClinVar variation 644398 (VCV000644398.11), dbSNP rs766952918, ClinGen allele CA8183457.

ClinVar aggregate classification (germline): Uncertain significance. Review status: criteria provided, multiple submitters, no conflicts (2 of 4 stars). 2 submissions from 2 submitters: Uncertain significance (2). Last evaluated 2023-12-11.

Conditions:
Developmental and epileptic encephalopathy, 1 (DEE1). Also called: X-linked infantile spasms; West's syndrome; Tonic spasms with clustering, arrest of psychomotor development and hypsarrhythmia on EEG; X-Linked Infantile Spasm Syndrome; OHTAHARA SYNDROME, X-LINKED; INFANTILE SPASM SYNDROME, X-LINKED 1. Identifiers: MedGen C3463992, MONDO:0010632, OMIM 308350. Disease mechanism: loss of function.
Autosomal recessive spinocerebellar ataxia 12. Also called: SPINOCEREBELLAR ATAXIA WITH MENTAL RETARDATION AND EPILEPSY. Identifiers: Orphanet 284282, MedGen C3280452, MONDO:0013687, OMIM 614322.

Allele frequency attached by ClinVar (database versions not stated): gnomAD 0.00002; TOPMed 0.00004.
gnomAD v4.1: 45 of 1,613,114 alleles (0.0028%); highest among the groups gnomAD compares: South Asian, 0.013%; no homozygotes.

Submissions (2):

Labcorp Genetics (formerly Invitae), Labcorp
Classification: Uncertain significance for Developmental and epileptic encephalopathy, 1; Autosomal recessive spinocerebellar ataxia 12. Last evaluated: 2023-12-11. Review status: criteria provided, single submitter. Criteria: Invitae Variant Classification Sherloc (09022015). Collection method: clinical testing. Allele origin: germline.
Comment: This sequence change falls in intron 7 of the WWOX gene. It does not directly change the encoded amino acid sequence of the WWOX protein. It affects a nucleotide within the consensus splice site. This variant is present in population databases (rs766952918, gnomAD 0.02%). This variant has not been reported in the literature in individuals affected with WWOX-related conditions. ClinVar contains an entry for this variant (Variation ID: 644398). Variants that disrupt the consensus splice site are a relatively common cause of aberrant splicing (PMID: 17576681, 9536098). Algorithms developed to predict the effect of sequence changes on RNA splicing suggest that this variant is not likely to affect RNA splicing. In summary, the available evidence is currently insufficient to determine the role of this variant in disease. Therefore, it has been classified as a Variant of Uncertain Significance.

Laboratorio de Genetica e Diagnostico Molecular, Hospital Israelita Albert Einstein
Classification: Uncertain significance. Last evaluated: 2019-10-09. Review status: criteria provided, single submitter. Criteria: ACMG Guidelines, 2015. Collection method: clinical testing. Allele origin: germline. Affected: yes.
Comment: ACMG classification criteria: PM2

Literature cited by the submitters: PubMed 17576681 (cited by Labcorp Genetics (formerly Invitae), Labcorp); PubMed 9536098 (cited by Labcorp Genetics (formerly Invitae), Labcorp).